The following is an entry in ClinVar:

ClinVar aggregate classification (germline): Pathogenic. Review status: criteria provided, multiple submitters, no conflicts (2 of 4 stars). 2 submissions from 2 submitters: Pathogenic (2). Last evaluated 2024-01-18.

Conditions:
Neutral lipid storage myopathy (NLSDM). Also called: NEUTRAL LIPID STORAGE DISEASE WITHOUT ICHTHYOSIS. Identifiers: Orphanet 98908, MedGen C1853136, MONDO:0012545, OMIM 610717.

Submissions (2):

3billion
Classification: Pathogenic for Neutral lipid storage myopathy. Last evaluated: 2024-01-18. Review status: criteria provided, single submitter. Criteria: ACMG Guidelines, 2015. Collection method: clinical testing. Allele origin: germline. Affected: yes.
Comment: The variant is not observed in the gnomAD v2.1.1 dataset. Predicted Consequence/Location: Frameshift: predicted to result in a loss or disruption of normal protein function through nonsense-mediated decay (NMD) or protein truncation. Multiple pathogenic variants are reported downstream of the variant. The variant has been reported to be associated with PNPLA2-related disorder (ClinVar ID: VCV000567557). Therefore, this variant is classified as Pathogenic according to the recommendation of ACMG/AMP guideline.

Labcorp Genetics (formerly Invitae), Labcorp
Classification: Pathogenic for Neutral lipid storage myopathy. Last evaluated: 2019-09-12. Review status: criteria provided, single submitter. Criteria: Invitae Variant Classification Sherloc (09022015). Collection method: clinical testing. Allele origin: germline.
Comment: For these reasons, this variant has been classified as Pathogenic. Loss-of-function variants in PNPLA2 are known to be pathogenic (PMID: 17187067). This variant has not been reported in the literature in individuals with PNPLA2-related disease. This variant is not present in population databases (ExAC no frequency). This sequence change creates a premature translational stop signal (p.Phe348Serfs*19) in the PNPLA2 gene. It is expected to result in an absent or disrupted protein product.

Literature cited by the submitters: PubMed 17187067 (cited by Labcorp Genetics (formerly Invitae), Labcorp).

NM_020376.4(PNPLA2):c.1043del (p.Phe348fs)

Gene: PNPLA2 (patatin like domain 2, triacylglycerol lipase; plus strand). Cytogenetic location: 11p15.5.
Variant type: Deletion.
Coding change: c.1043del on transcript NM_020376.4 (MANE Select); coding-DNA position 1043, one base deleted (T; older notation c.1043delT).
Protein change: p.Phe348fs; shifts the reading frame from phenylalanine 348.
Molecular consequence: frameshift variant.
Genome position (GRCh38, 1-based): chr11:824,121, T deleted; the last of 2 consecutive T bases (chr11:824,120-824,121); deleting either gives the same sequence. VCF-style (leftmost placement, unchanged base first): chr11-824119-CT-C. GRCh37 (hg19) VCF-style: chr11-824119-CT-C.
Other names: c.1043del (NM_020376.3); short protein forms F348fs.
Identifiers: ClinVar variation 567557 (VCV000567557.9), dbSNP rs1565089992, ClinGen allele CA891843460.
Genomic context (GRCh38, chr11:824,119, plus strand): 5'-TGTGCGTCTGGCCACGGCCATGATGGTGCCCTACACGCTGCCGCTGGAGAGCGCTCTGTC[CT>C]TCACCATCCGGTGTGAGGGCTGGGGGGTCGGGAGAGGGGCCCAGGGGACGGACTTTGGGA-3'